The following is an entry in ClinVar:

ClinVar aggregate classification (germline): Uncertain significance (1 of 4 stars; one submission).

gnomAD v4.1: 1 of 1,614,070 alleles (0.000062%); no homozygotes.

Submission:

Labcorp Genetics (formerly Invitae), Labcorp
Classification: Uncertain significance. Last evaluated: 2023-03-14. Review status: criteria provided, single submitter. Criteria: Invitae Variant Classification Sherloc (09022015). Collection method: clinical testing. Allele origin: germline.
Comment: This sequence change replaces serine, which is neutral and polar, with leucine, which is neutral and non-polar, at codon 749 of the COL4A4 protein (p.Ser749Leu). In summary, the available evidence is currently insufficient to determine the role of this variant in disease. Therefore, it has been classified as a Variant of Uncertain Significance. Advanced modeling of protein sequence and biophysical properties (such as structural, functional, and spatial information, amino acid conservation, physicochemical variation, residue mobility, and thermodynamic stability) performed at Invitae indicates that this missense variant is not expected to disrupt COL4A4 protein function. This variant has not been reported in the literature in individuals affected with COL4A4-related conditions. This variant is not present in population databases (gnomAD no frequency).

NM_000092.5(COL4A4):c.2246C>T (p.Ser749Leu)

Gene: COL4A4 (collagen type IV alpha 4 chain; minus strand). Cytogenetic location: 2q36.3.
Variant type: single nucleotide variant.
Coding change: c.2246C>T on transcript NM_000092.5 (MANE Select); coding-DNA position 2246, C replaced by T.
Protein change: p.Ser749Leu; replaces serine 749 with leucine.
Molecular consequence: missense variant.
Genome position (GRCh38, 1-based): chr2:227,059,542, G>A on the plus strand (C>T on the coding strand, the complement: COL4A4 is on the minus strand). VCF-style: chr2-227059542-G-A. GRCh37 (hg19) VCF-style: chr2-227924258-G-A.
Other names: short protein forms S749L.
Identifiers: ClinVar variation 2816795 (VCV002816795.3), dbSNP rs2474222319, ClinGen allele CA350842077.